The following is an entry in ClinVar:

ClinVar aggregate classification (germline): Uncertain significance. Review status: criteria provided, multiple submitters, no conflicts (2 of 4 stars). 3 submissions from 3 submitters: Uncertain significance (3). Last evaluated 2024-09-23.

Conditions:
Familial adenomatous polyposis 1 (FAP1). Also called: FAMILIAL ADENOMATOUS POLYPOSIS 1, ATTENUATED; POLYPOSIS, ADENOMATOUS INTESTINAL. Identifiers: MedGen C2713442, MONDO:0021056, OMIM 175100. Disease mechanism: loss of function.
Desmoid disease, hereditary (DESMD). Also called: FIBROMATOSIS, FAMILIAL INFILTRATIVE. Identifiers: Orphanet 873, MedGen C1851124, OMIM 135290. Disease mechanism: loss of function.
Gastric cancer. Also called: Malignant tumor of stomach; Stomach cancer. Identifiers: MedGen C0024623, MeSH D013274, MONDO:0001056, OMIM 613659, HP:0012126.
Hereditary cancer-predisposing syndrome. Also called: Tumor predisposition; Neoplastic Syndromes, Hereditary; Hereditary neoplastic syndrome; Hereditary Cancer Syndrome. Identifiers: Orphanet 140162, MedGen C0027672, MeSH D009386, MONDO:0015356.

Submissions (3):

Ambry Genetics
Classification: Uncertain significance for Hereditary cancer-predisposing syndrome. Last evaluated: 2024-09-23. Review status: criteria provided, single submitter. Criteria: Ambry Variant Classification Scheme 2023. Collection method: clinical testing. Allele origin: germline.
Comment: The p.P439S variant (also known as c.1315C>T), located in coding exon 10 of the APC gene, results from a C to T substitution at nucleotide position 1315. The proline at codon 439 is replaced by serine, an amino acid with similar properties. This amino acid position is highly conserved in available vertebrate species. In addition, in silico predictors for this gene do not accurately predict pathogenicity. Missense alterations in APC are not a common cause of disease (Spier I et al. Genet Med. 2024 Feb;26(2):100992). Based on the available evidence, the clinical significance of this variant remains unclear.

Labcorp Genetics (formerly Invitae), Labcorp
Classification: Uncertain significance for Familial adenomatous polyposis 1. Last evaluated: 2023-11-15. Review status: criteria provided, single submitter. Criteria: Invitae Variant Classification Sherloc (09022015). Collection method: clinical testing. Allele origin: germline.
Comment: This sequence change replaces proline, which is neutral and non-polar, with serine, which is neutral and polar, at codon 439 of the APC protein (p.Pro439Ser). This variant is not present in population databases (gnomAD no frequency). This variant has not been reported in the literature in individuals affected with APC-related conditions. ClinVar contains an entry for this variant (Variation ID: 1038462). An algorithm developed to predict the effect of missense changes on protein structure and function (PolyPhen-2) suggests that this variant is likely to be tolerated. In summary, the available evidence is currently insufficient to determine the role of this variant in disease. Therefore, it has been classified as a Variant of Uncertain Significance.

Department of Pathology and Laboratory Medicine, Sinai Health System
Classification: Uncertain significance for Familial adenomatous polyposis 1; Desmoid disease, hereditary; Gastric cancer. Last evaluated: 2023-01-05. Review status: criteria provided, single submitter. Criteria: ACMG Guidelines, 2015. Collection method: clinical testing. Allele origin: germline. Affected: yes.

NM_000038.6(APC):c.1315C>T (p.Pro439Ser)

Gene: APC (APC regulator of Wnt signaling pathway; plus strand). Cytogenetic location: 5q22.2.
Variant type: single nucleotide variant.
Coding change: c.1315C>T on transcript NM_000038.6 (MANE Select); coding-DNA position 1315, C replaced by T.
Protein change: p.Pro439Ser; replaces proline 439 with serine.
Molecular consequence: missense variant.
Genome position (GRCh38, 1-based): chr5:112,821,898, C>T. VCF-style: chr5-112821898-C-T. GRCh37 (hg19) VCF-style: chr5-112157595-C-T.
Other names: c.1315C>T, p.Pro439Ser (NM_001127510.3, NM_001354895.2, NM_001354896.2); c.1261C>T, p.Pro421Ser (NM_001127511.3); c.1345C>T, p.Pro449Ser (NM_001354897.2); c.1240C>T, p.Pro414Ser (NM_001354898.2); c.1231C>T, p.Pro411Ser (NM_001354899.2); c.1138C>T, p.Pro380Ser (NM_001354900.2, NM_001354901.2); c.1042C>T, p.Pro348Ser (NM_001354902.2); c.1012C>T, p.Pro338Ser (NM_001354903.2); and 4 more; short protein forms P279S, P313S, P348S, P380S, P411S, P338S, P449S, P156S.
Identifiers: ClinVar variation 1038462 (VCV001038462.12), dbSNP rs1561545795, ClinGen allele CA16024187.